The following is an entry in ClinVar:

ClinVar aggregate classification (germline): Benign/Likely benign. Review status: criteria provided, multiple submitters, no conflicts (2 of 4 stars). 3 submissions from 3 submitters: Benign (2); Likely benign (1). Last evaluated 2023-04-01.

Allele frequency attached by ClinVar (database versions not stated): 1000 Genomes Project 30x 0.00187; 1000 Genomes Project 0.00220; TOPMed 0.00345; gnomAD 0.00372 and 0.00376; gnomAD exomes 0.00471; ExAC 0.00520; ESP Exome Variant Server 0.00531.
gnomAD v4.1: 8,736 of 1,614,140 alleles (0.54%); highest among the groups gnomAD compares: Non-Finnish European, 0.62%; 39 homozygotes.

Submissions (3):

CeGaT Center for Human Genetics Tuebingen
Classification: Likely benign. Last evaluated: 2023-04-01. Review status: criteria provided, single submitter. Criteria: CeGaT Center For Human Genetics Tuebingen Variant Classification Criteria Version 2. Collection method: clinical testing. Allele origin: germline. Affected: yes. Observed: 2 variant alleles.
Comment: MAP6: BP4, BP7, BS2

Labcorp Genetics (formerly Invitae), Labcorp
Classification: Benign. Last evaluated: 2018-03-29. Review status: criteria provided, single submitter. Criteria: Invitae Variant Classification Sherloc (09022015). Collection method: clinical testing. Allele origin: germline.

Breakthrough Genomics
Classification: Benign. Review status: criteria provided, single submitter. Criteria: ACMG Guidelines, 2015. Collection method: not provided. Allele origin: germline. Inheritance: Unknown mechanism. Affected: yes.

NM_033063.2(MAP6):c.1248G>A (p.Pro416=)

Gene: MAP6 (microtubule associated protein 6; minus strand). Cytogenetic location: 11q13.5.
Variant type: single nucleotide variant.
Coding change: c.1248G>A on transcript NM_033063.2 (MANE Select); coding-DNA position 1248, G replaced by A.
Protein change: p.Pro416=; no amino-acid change (proline 416 retained).
Molecular consequence: synonymous variant.
Genome position (GRCh38, 1-based): chr11:75,605,876, C>T on the plus strand (G>A on the coding strand, the complement: MAP6 is on the minus strand). VCF-style: chr11-75605876-C-T. GRCh37 (hg19) VCF-style: chr11-75316921-C-T.
Other names: c.1248G>A, p.Pro416= (NM_207577.1).
Identifiers: ClinVar variation 782216 (VCV000782216.28), dbSNP rs625702, ClinGen allele CA6191298.